The following is an entry in ClinVar:

NM_005159.5(ACTC1):c.797C>T (p.Pro266Leu)

Genes: ACTC1 (actin alpha cardiac muscle 1; minus strand), GJD2-DT (GJD2 divergent transcript; plus strand). Cytogenetic location: 15q14.
Variant type: single nucleotide variant.
Coding change: c.797C>T on transcript NM_005159.5 (MANE Select); coding-DNA position 797, C replaced by T.
Protein change: p.Pro266Leu; replaces proline 266 with leucine.
Molecular consequence: missense variant.
Genome position (GRCh38, 1-based): chr15:34,792,101, G>A on the plus strand (C>T on the coding strand, the complement: ACTC1 is on the minus strand). VCF-style: chr15-34792101-G-A. GRCh37 (hg19) VCF-style: chr15-35084302-G-A.
Other names: c.797C>T, p.Pro266Leu (NM_001406482.1, NM_001406483.1); c.662C>T, p.Pro221Leu (NM_001406484.1); c.356C>T, p.Pro119Leu (NM_001406485.1); short protein forms P119L, P221L, P266L.
Identifiers: ClinVar variation 4685466 (VCV004685466.1).

ClinVar aggregate classification (germline): Uncertain significance (3 of 4 stars; one submission).

Conditions:
Hypertrophic cardiomyopathy. Also called: HYPERTROPHIC MYOCARDIOPATHY. Identifiers: Orphanet 217569, MedGen C0007194, MeSH D002312, MONDO:0005045, HP:0001639.

Submission:

ClinGen Cardiomyopathy Variant Curation Expert Panel
Classification: Uncertain significance for Hypertrophic cardiomyopathy. Last evaluated: 2025-11-14. Review status: reviewed by expert panel. Criteria: ClinGen CMP ACMG Specifications ACTC1 V1.0.0. Collection method: curation. Allele origin: germline. Inheritance: Autosomal dominant inheritance.
Comment: NM_005159.5(ACTC1):c.797C>T (p.Pro266Leu). This variant has been identified in 1 individual in a cohort of 5126 HCM cases and was absent from large population studies (PM2_Supporting; gnomAD, v.2.1). This variant is not statistically increased compared to controls (lower 95% CI<5), therefore, the PS4 criterion has not been applied. Computational prediction tools and conservation analysis suggest that this variant may impact the protein (PP3; REVEL score ≥0.70). In summary, due to insufficient evidence, this variant is classified as uncertain significance for hypertrophic cardiomyopathy in an autosomal dominant manner based on PM2_Supporting and PP3.